The following is an entry in ClinVar:

ClinVar aggregate classification (germline): Uncertain significance (1 of 4 stars; one submission).

gnomAD v4.1: 4 of 1,608,268 alleles (0.00025%); highest among the groups gnomAD compares: Non-Finnish European, 0.00034%; no homozygotes.

Submission:

Ambry Genetics
Classification: Uncertain significance. Last evaluated: 2025-07-29. Review status: criteria provided, single submitter. Criteria: Ambry Variant Classification Scheme 2023. Collection method: clinical testing. Allele origin: germline.
Comment: The p.Q2012P variant (also known as c.6035A>C), located in coding exon 24 of the WNK2 gene, results from an A to C substitution at nucleotide position 6035. The glutamine at codon 2012 is replaced by proline, an amino acid with similar properties. This amino acid position is conserved. In addition, this alteration is predicted to be deleterious by in silico analysis. Based on the available evidence, the clinical significance of this variant remains unclear.

NM_006648.4(WNK2):c.6035A>C (p.Gln2012Pro)

Gene: WNK2 (WNK lysine deficient protein kinase 2; plus strand). Cytogenetic location: 9q22.31.
Variant type: single nucleotide variant.
Coding change: c.6035A>C on transcript NM_006648.4 (MANE Select); coding-DNA position 6035, A replaced by C.
Protein change: p.Gln2012Pro; replaces glutamine 2012 with proline.
Molecular consequence: missense variant.
Genome position (GRCh38, 1-based): chr9:93,299,181, A>C. VCF-style: chr9-93299181-A-C. GRCh37 (hg19) VCF-style: chr9-96061463-A-C.
Other names: c.6146A>C, p.Gln2049Pro (NM_001282394.3); short protein forms Q2049P, Q2012P.
Identifiers: ClinVar variation 3470751 (VCV003470751.2).
Genomic context (GRCh38, chr9:93,299,181, plus strand): 5'-CCAGTGTGGGGCTCACTGCAGACAGCACGGGCCTGAGCGGGAAGGCAGTGCAGACCCAGC[A>C]GCCCTGCTCCGTCCGGGCCTCCCTGTCTTCGGACATCTGCTCCGGCTTAGCCAGTGATGG-3'
Protein context (NP_006639.3, residues 2002-2022): GLSGKAVQTQ[Gln2012Pro]PCSVRASLSS